The following is an entry in ClinVar:

NM_001184.4(ATR):c.1615T>G (p.Phe539Val)

Gene: ATR (ATR checkpoint kinase; minus strand). Cytogenetic location: 3q23.
Variant type: single nucleotide variant.
Coding change: c.1615T>G on transcript NM_001184.4 (MANE Select); coding-DNA position 1615, T replaced by G.
Protein change: p.Phe539Val; replaces phenylalanine 539 with valine.
Molecular consequence: missense variant.
Genome position (GRCh38, 1-based): chr3:142,559,368, A>C on the plus strand (T>G on the coding strand, the complement: ATR is on the minus strand). VCF-style: chr3-142559368-A-C. GRCh37 (hg19) VCF-style: chr3-142278210-A-C.
Other names: c.1423T>G, p.Phe475Val (NM_001354579.2); short protein forms F475V, F539V.
Identifiers: ClinVar variation 2587594 (VCV002587594.2), dbSNP rs2108480123, ClinGen allele CA354822281.
Genomic context (GRCh38, chr3:142,559,368, plus strand): 5'-GGTCCAGTTTCTGAACAGATTCTAACAAACTTCTACAGCTCTTAAGCACTTTTGTGTAAA[A>C]ATCCAATGACATCCAAGTTATCACTACAGAAGGTTTCTTCTTGGATTTATGTTGACAGTC-3'
Protein context (NP_001175.2, residues 529-549): SVVITWMSLD[Phe539Val]YTKVLKSCRS

ClinVar aggregate classification (germline): Uncertain significance (1 of 4 stars; one submission).

Conditions:
Inborn genetic diseases. Identifiers: MedGen C0950123, MeSH D030342.

Submission:

Ambry Genetics
Classification: Uncertain significance for Inborn genetic diseases. Last evaluated: 2023-09-10. Review status: criteria provided, single submitter. Criteria: Ambry Variant Classification Scheme 2023. Collection method: clinical testing. Allele origin: germline.
Comment: The p.F539V variant (also known as c.1615T>G), located in coding exon 7 of the ATR gene, results from a T to G substitution at nucleotide position 1615. The phenylalanine at codon 539 is replaced by valine, an amino acid with highly similar properties. This amino acid position is conserved. In addition, this alteration is predicted to be tolerated by in silico analysis. Since supporting evidence is limited at this time, the clinical significance of this alteration remains unclear.